The following is an entry in ClinVar:

ClinVar aggregate classification (germline): Uncertain significance (1 of 4 stars; one submission).

Submission:

Labcorp Genetics (formerly Invitae), Labcorp
Classification: Uncertain significance. Last evaluated: 2024-10-14. Review status: criteria provided, single submitter. Criteria: Invitae Variant Classification Sherloc (09022015). Collection method: clinical testing. Allele origin: germline.
Comment: This variant, c.275_276insCGGCGGCGGCTCCTCCGG, results in the insertion of 6 amino acid(s) of the LOR protein (p.Gly95_Gly100dup), but otherwise preserves the integrity of the reading frame. The frequency data for this variant in the population databases is considered unreliable, as metrics indicate insufficient coverage at this position in the gnomAD database. This variant has not been reported in the literature in individuals affected with LOR-related conditions. In summary, the available evidence is currently insufficient to determine the role of this variant in disease. Therefore, it has been classified as a Variant of Uncertain Significance.

NM_000427.3(LORICRIN):c.275_276insCGGCGGCGGCTCCTCCGG (p.Gly100_Ser101insGlySerSerGlyGlyGly)

Gene: LORICRIN (loricrin cornified envelope precursor protein; plus strand). Cytogenetic location: 1q21.3.
Variant type: Insertion.
Coding change: c.275_276insCGGCGGCGGCTCCTCCGG on transcript NM_000427.3 (MANE Select); coding-DNA positions 275 to 276, CGGCGGCGGCTCCTCCGG inserted.
Protein change: p.Gly100_Ser101insGlySerSerGlyGlyGly.
Molecular consequence: inframe insertion.
Genome position: GRCh38 VCF-style: chr1-153261218-A-ACTCCGGCGGCGGCGGCTC. GRCh37 (hg19) VCF-style: chr1-153233694-A-ACTCCGGCGGCGGCGGCTC.
Identifiers: ClinVar variation 2895142 (VCV002895142.3), dbSNP rs1658772846, ClinGen allele CA2480360478.